The following is an entry in ClinVar:

ClinVar aggregate classification (germline): Benign/Likely benign. Review status: criteria provided, multiple submitters, no conflicts (2 of 4 stars). 4 submissions from 4 submitters: Benign (1); Likely benign (3). Last evaluated 2025-05-01.

Conditions:
Cardiovascular phenotype. Identifiers: MedGen CN230736.
Progressive familial heart block type IB (PFHB1B). Identifiers: Orphanet 871, MedGen C1970298, MONDO:0011474, OMIM 604559.

Allele frequency attached by ClinVar (database versions not stated): gnomAD 0.00001; TOPMed 0.00001; gnomAD exomes 0.00007; ExAC 0.00010; ESP Exome Variant Server 0.00015; 1000 Genomes Project 30x 0.00016; 1000 Genomes Project 0.00020.
gnomAD v4.1: 40 of 1,603,654 alleles (0.0025%); highest among the groups gnomAD compares: East Asian, 0.023%; no homozygotes.

Submissions (4):

CeGaT Center for Human Genetics Tuebingen
Classification: Likely benign. Last evaluated: 2025-05-01. Review status: criteria provided, single submitter. Criteria: CeGaT Center For Human Genetics Tuebingen Variant Classification Criteria Version 2. Collection method: clinical testing. Allele origin: germline. Affected: yes. Observed: 1 variant allele.
Comment: TRPM4: BP4, BP7

Labcorp Genetics (formerly Invitae), Labcorp
Classification: Benign for Progressive familial heart block type IB. Last evaluated: 2024-08-01. Review status: criteria provided, single submitter. Criteria: Invitae Variant Classification Sherloc (09022015). Collection method: clinical testing. Allele origin: germline.

Ambry Genetics
Classification: Likely benign for Cardiovascular phenotype. Last evaluated: 2023-10-10. Review status: criteria provided, single submitter. Criteria: Ambry Variant Classification Scheme 2023. Collection method: clinical testing. Allele origin: germline.

GeneDx
Classification: Likely benign. Last evaluated: 2017-02-17. Review status: criteria provided, single submitter. Criteria: GeneDx Variant Classification (06012015). Collection method: clinical testing. Allele origin: germline. Affected: yes.
Comment: This variant is considered likely benign or benign based on one or more of the following criteria: it is a conservative change, it occurs at a poorly conserved position in the protein, it is predicted to be benign by multiple in silico algorithms, and/or has population frequency not consistent with disease.

NM_017636.4(TRPM4):c.168C>T (p.Ala56=)

Gene: TRPM4 (transient receptor potential cation channel subfamily M member 4; plus strand). Cytogenetic location: 19q13.33.
Variant type: single nucleotide variant.
Coding change: c.168C>T on transcript NM_017636.4 (MANE Select); coding-DNA position 168, C replaced by T.
Protein change: p.Ala56=; no amino-acid change (alanine 56 retained).
Molecular consequence: synonymous variant. On other transcripts: 5 prime UTR variant (1), intron variant (2).
Genome position (GRCh38, 1-based): chr19:49,166,116, C>T. VCF-style: chr19-49166116-C-T. GRCh37 (hg19) VCF-style: chr19-49669373-C-T.
Other names: c.168C>T, p.Ala56= (NM_001195227.2, NM_001321281.2); c.-1205C>T (NM_001321282.2); c.-74-2144C>T (NM_001321283.2); c.-237-2437C>T (NM_001321285.2).
Identifiers: ClinVar variation 507576 (VCV000507576.21), dbSNP rs371192886, ClinGen allele CA9568707.